The following is an entry in ClinVar:

NM_005881.4(BCKDK):c.642+10T>A

Gene: BCKDK (branched chain keto acid dehydrogenase kinase; plus strand). Cytogenetic location: 16p11.2.
Variant type: single nucleotide variant.
Coding change: c.642+10T>A on transcript NM_005881.4 (MANE Select); 10 bases into the intron after coding-DNA position 642, T replaced by A.
Molecular consequence: intron variant.
Genome position (GRCh38, 1-based): chr16:31,110,509, T>A. VCF-style: chr16-31110509-T-A. GRCh37 (hg19) VCF-style: chr16-31121830-T-A.
Other names: c.642+10T>A (NM_001122957.4, NM_001271926.3).
Identifiers: ClinVar variation 3037870 (VCV003037870.2), dbSNP rs2544148016, ClinGen allele CA2632821778.

ClinVar aggregate classification (germline): Likely benign (0 of 4 stars; one submission).

Conditions:
BCKDK-related disorder. Also called: BCKDK-related condition.

Submission:

PreventionGenetics, part of Exact Sciences
Classification: Likely benign for BCKDK-related condition. Last evaluated: 2019-10-31. Review status: no assertion criteria provided. Collection method: clinical testing. Allele origin: germline.
Comment: This variant is classified as likely benign based on ACMG/AMP sequence variant interpretation guidelines (Richards et al. 2015 PMID: 25741868, with internal and published modifications).